The following is an entry in ClinVar:

NM_016156.6(MTMR2):c.1489G>A (p.Ala497Thr)

Gene: MTMR2 (myotubularin related protein 2; minus strand). Cytogenetic location: 11q21.
Variant type: single nucleotide variant.
Coding change: c.1489G>A on transcript NM_016156.6 (MANE Select); coding-DNA position 1489, G replaced by A.
Protein change: p.Ala497Thr; replaces alanine 497 with threonine.
Molecular consequence: missense variant.
Genome position (GRCh38, 1-based): chr11:95,838,198, C>T on the plus strand (G>A on the coding strand, the complement: MTMR2 is on the minus strand). VCF-style: chr11-95838198-C-T. GRCh37 (hg19) VCF-style: chr11-95571362-C-T.
Other names: c.1273G>A, p.Ala425Thr (NM_001243571.2, NM_201278.3, NM_201281.3); short protein forms A497T, A425T.
Identifiers: ClinVar variation 447739 (VCV000447739.7), dbSNP rs752626893, ClinGen allele CA6239959.

ClinVar aggregate classification (germline): Uncertain significance. Review status: criteria provided, multiple submitters, no conflicts (2 of 4 stars). 2 submissions from 2 submitters: Uncertain significance (2). Last evaluated 2021-08-27.

Conditions:
Charcot-Marie-Tooth disease type 4. Also called: Charcot-Marie-Tooth disease, type IV; Charcot-Marie-Tooth, Type 4. Identifiers: Orphanet 64749, MedGen C4082197, MONDO:0018995.

Allele frequency attached by ClinVar (database versions not stated): gnomAD exomes below 0.00001; gnomAD 0.00001; TOPMed below 0.00001; ExAC 0.00001.
gnomAD v4.1: 6 of 1,574,524 alleles (0.00038%); highest among the groups gnomAD compares: African/African-American, 0.0014%; no homozygotes.

Submissions (2):

Labcorp Genetics (formerly Invitae), Labcorp
Classification: Uncertain significance for Charcot-Marie-Tooth disease type 4. Last evaluated: 2021-08-27. Review status: criteria provided, single submitter. Criteria: Invitae Variant Classification Sherloc (09022015). Collection method: clinical testing. Allele origin: germline.
Comment: This sequence change replaces alanine with threonine at codon 497 of the MTMR2 protein (p.Ala497Thr). The alanine residue is highly conserved and there is a small physicochemical difference between alanine and threonine. This variant is present in population databases (rs752626893, ExAC 0.01%). This variant has not been reported in the literature in individuals affected with MTMR2-related conditions. ClinVar contains an entry for this variant (Variation ID: 447739). Algorithms developed to predict the effect of missense changes on protein structure and function (SIFT, PolyPhen-2, Align-GVGD) all suggest that this variant is likely to be tolerated. In summary, the available evidence is currently insufficient to determine the role of this variant in disease. Therefore, it has been classified as a Variant of Uncertain Significance.

Athena Diagnostics
Classification: Uncertain significance. Last evaluated: 2017-03-31. Review status: criteria provided, single submitter. Criteria: Athena Diagnostics Criteria. Collection method: clinical testing. Allele origin: germline.